The following is an entry in ClinVar:

ClinVar aggregate classification (germline): Conflicting classifications of pathogenicity. Review status: criteria provided, conflicting classifications (1 of 4 stars). 2 submissions from 2 submitters: Uncertain significance (1); Likely benign (1). Last evaluated 2026-04-01.

Conditions:
Developmental and epileptic encephalopathy, 14 (DEE14). Also called: Early infantile epileptic encephalopathy 14. Identifiers: Orphanet 293181, MedGen C3554195, MONDO:0013989, OMIM 614959.
Autosomal dominant nocturnal frontal lobe epilepsy 5. Also called: Epilepsy, nocturnal frontal lobe, 5; CILIARY DYSKINESIA, PRIMARY, 28, WITHOUT SITUS INVERSUS; CILIARY DYSKINESIA, PRIMARY, 28, WITH SITUS INVERSUS; KCNT1-Related Epilepsy. Identifiers: Orphanet 98784, MedGen C3554306, MONDO:0014002, OMIM 615005.

Submissions (2):

CeGaT Center for Human Genetics Tuebingen
Classification: Uncertain significance. Last evaluated: 2026-04-01. Review status: criteria provided, single submitter. Criteria: CeGaT Center For Human Genetics Tuebingen Variant Classification Criteria Version 2. Collection method: clinical testing. Allele origin: germline. Affected: yes. Observed: 1 variant allele.
Comment: KCNT1: PM2

Labcorp Genetics (formerly Invitae), Labcorp
Classification: Likely benign for Autosomal dominant nocturnal frontal lobe epilepsy 5; Developmental and epileptic encephalopathy, 14. Last evaluated: 2022-10-10. Review status: criteria provided, single submitter. Criteria: Invitae Variant Classification Sherloc (09022015). Collection method: clinical testing. Allele origin: germline.

NM_020822.3(KCNT1):c.152G>C (p.Gly51Ala)

Gene: KCNT1 (potassium sodium-activated channel subfamily T member 1; plus strand). Cytogenetic location: 9q34.3.
Variant type: single nucleotide variant.
Coding change: c.152G>C on transcript NM_020822.3 (MANE Select); coding-DNA position 152, G replaced by C.
Protein change: p.Gly51Ala; replaces glycine 51 with alanine.
Molecular consequence: missense variant. On other transcripts: intron variant (1).
Genome position (GRCh38, 1-based): chr9:135,714,618, G>C. VCF-style: chr9-135714618-G-C. GRCh37 (hg19) VCF-style: chr9-138606464-G-C.
Other names: c.110+12250G>C (NM_001272003.2); short protein forms G51A.
Identifiers: ClinVar variation 540566 (VCV000540566.11), dbSNP rs1554763393, ClinGen allele CA375493263.